The following is an entry in ClinVar:

ClinVar aggregate classification (germline): Conflicting classifications of pathogenicity. Review status: criteria provided, conflicting classifications (1 of 4 stars). 2 submissions from 2 submitters: Uncertain significance (1); Likely benign (1). Last evaluated 2023-03-23.

Conditions:
Hereditary cancer-predisposing syndrome. Also called: Hereditary Cancer Syndrome; Tumor predisposition; Neoplastic Syndromes, Hereditary; Hereditary neoplastic syndrome. Identifiers: Orphanet 140162, MedGen C0027672, MeSH D009386, MONDO:0015356.
Hereditary breast ovarian cancer syndrome. Also called: Hereditary breast and ovarian cancer syndrome (HBOC); Hereditary breast and/or ovarian cancer syndrome; BRCA1- and BRCA2-Associated Hereditary Breast and Ovarian Cancer; Hereditary breast and ovarian cancer syndrome; Hereditary breast and ovarian cancer; Breast and ovarian cancer. Identifiers: Orphanet 145, MedGen C0677776, MeSH D061325, MONDO:0003582. Disease mechanism: loss of function.

Submissions (2):

University of Washington Department of Laboratory Medicine, University of Washington
Classification: Likely benign for Hereditary cancer-predisposing syndrome. Last evaluated: 2023-03-23. Review status: criteria provided, single submitter. Criteria: Dines et al. (Genet Med. 2020). Collection method: curation. Allele origin: germline.
Comment: Missense variant in a coldspot region where missense variants are very unlikely to be pathogenic (PMID:31911673).

BRCA2 exon 11 coldspot. Reclassification based on statistical prior probability.

Labcorp Genetics (formerly Invitae), Labcorp
Classification: Uncertain significance for Hereditary breast ovarian cancer syndrome. Last evaluated: 2020-07-03. Review status: criteria provided, single submitter. Criteria: Invitae Variant Classification Sherloc (09022015). Collection method: clinical testing. Allele origin: germline.
Comment: This variant is not present in population databases (ExAC no frequency). In summary, the available evidence is currently insufficient to determine the role of this variant in disease. Therefore, it has been classified as a Variant of Uncertain Significance. Algorithms developed to predict the effect of missense changes on protein structure and function are either unavailable or do not agree on the potential impact of this missense change (SIFT: "Tolerated"; PolyPhen-2: "Possibly Damaging"; Align-GVGD: "Class C0"). This variant has not been reported in the literature in individuals with BRCA2-related conditions. This sequence change replaces serine with arginine at codon 1834 of the BRCA2 protein (p.Ser1834Arg). The serine residue is weakly conserved and there is a moderate physicochemical difference between serine and arginine.

NM_000059.4(BRCA2):c.5502T>A (p.Ser1834Arg)

Gene: BRCA2 (BRCA2 DNA repair associated; plus strand). Cytogenetic location: 13q13.1.
Variant type: single nucleotide variant.
Coding change: c.5502T>A on transcript NM_000059.4 (MANE Select); coding-DNA position 5502, T replaced by A.
Protein change: p.Ser1834Arg; replaces serine 1834 with arginine.
Molecular consequence: missense variant.
Genome position (GRCh38, 1-based): chr13:32,339,857, T>A. VCF-style: chr13-32339857-T-A. GRCh37 (hg19) VCF-style: chr13-32913994-T-A.
Other names: short protein forms S1834R.
Identifiers: ClinVar variation 1014505 (VCV001014505.10), dbSNP rs2072530948, ClinGen allele CA387785802.